The following is an entry in ClinVar:

NM_001040108.2(MLH3):c.1618A>T (p.Asn540Tyr)

Gene: MLH3 (mutL homolog 3; minus strand). Cytogenetic location: 14q24.3.
Variant type: single nucleotide variant.
Coding change: c.1618A>T on transcript NM_001040108.2 (MANE Select); coding-DNA position 1618, A replaced by T.
Protein change: p.Asn540Tyr; replaces asparagine 540 with tyrosine.
Molecular consequence: missense variant.
Genome position (GRCh38, 1-based): chr14:75,048,038, T>A on the plus strand (A>T on the coding strand, the complement: MLH3 is on the minus strand). VCF-style: chr14-75048038-T-A. GRCh37 (hg19) VCF-style: chr14-75514741-T-A.
Other names: c.1618A>T, p.Asn540Tyr (NM_014381.3); short protein forms N540Y.
Identifiers: ClinVar variation 1776530 (VCV001776530.9), dbSNP rs774449341, ClinGen allele CA7275845.

ClinVar aggregate classification (germline): Conflicting classifications of pathogenicity. Review status: criteria provided, conflicting classifications (1 of 4 stars). 3 submissions from 3 submitters: Uncertain significance (2); Likely benign (1). Last evaluated 2024-03-26.

Conditions:
Colorectal cancer. Also called: Malignant Colorectal Neoplasm; Colorectal cancer, somatic. Identifiers: MedGen C0346629, MONDO:0005575, OMIM 114500.
Endometrial carcinoma. Also called: Endometrial carcinoma, somatic. Identifiers: MedGen C0476089, MONDO:0002447, OMIM 608089, HP:0012114.
Colorectal cancer, hereditary nonpolyposis, type 7. Identifiers: Orphanet 144, MedGen C1858380, MONDO:0013725, OMIM 614385.

Allele frequency attached by ClinVar (database versions not stated): ExAC 0.00001; gnomAD 0.00001; gnomAD exomes 0.00001; TOPMed 0.00002.
gnomAD v4.1: 15 of 1,613,738 alleles (0.00093%); highest among the groups gnomAD compares: Non-Finnish European, 0.0012%; no homozygotes.

Submissions (3):

Ambry Genetics
Classification: Likely benign. Last evaluated: 2024-03-26. Review status: criteria provided, single submitter. Criteria: Ambry Variant Classification Scheme 2023. Collection method: clinical testing. Allele origin: germline.

Department of Pathology and Laboratory Medicine, Sinai Health System
Classification: Uncertain significance for Colorectal cancer; Endometrial carcinoma; Colorectal cancer, hereditary nonpolyposis, type 7. Last evaluated: 2023-09-29. Review status: criteria provided, single submitter. Criteria: ACMG Guidelines, 2015. Collection method: clinical testing. Allele origin: germline. Affected: yes.

Labcorp Genetics (formerly Invitae), Labcorp
Classification: Uncertain significance for Colorectal cancer, hereditary nonpolyposis, type 7. Last evaluated: 2023-02-22. Review status: criteria provided, single submitter. Criteria: Invitae Variant Classification Sherloc (09022015). Collection method: clinical testing. Allele origin: germline.
Comment: ClinVar contains an entry for this variant (Variation ID: 1776530). In summary, the available evidence is currently insufficient to determine the role of this variant in disease. Therefore, it has been classified as a Variant of Uncertain Significance. An algorithm developed to predict the effect of missense changes on protein structure and function (PolyPhen-2) suggests that this variant is likely to be tolerated. This variant has not been reported in the literature in individuals affected with MLH3-related conditions. This variant is present in population databases (rs774449341, gnomAD 0.002%). This sequence change replaces asparagine, which is neutral and polar, with tyrosine, which is neutral and polar, at codon 540 of the MLH3 protein (p.Asn540Tyr).